The following is an entry in ClinVar:

NM_144687.4(NLRP12):c.362C>A (p.Pro121Gln)

Gene: NLRP12 (NLR family pyrin domain containing 12; minus strand). Cytogenetic location: 19q13.42.
Variant type: single nucleotide variant.
Coding change: c.362C>A on transcript NM_144687.4 (MANE Select); coding-DNA position 362, C replaced by A.
Protein change: p.Pro121Gln; replaces proline 121 with glutamine.
Molecular consequence: missense variant.
Genome position (GRCh38, 1-based): chr19:53,814,916, G>T on the plus strand (C>A on the coding strand, the complement: NLRP12 is on the minus strand). VCF-style: chr19-53814916-G-T. GRCh37 (hg19) VCF-style: chr19-54318170-G-T.
Other names: c.362C>A, p.Pro121Gln (NM_001277126.2, NM_001277129.1); short protein forms P121Q.
Identifiers: ClinVar variation 1392528 (VCV001392528.6), dbSNP rs773438934, ClinGen allele CA407417590.

ClinVar aggregate classification (germline): Uncertain significance (1 of 4 stars; one submission).

Conditions:
Familial cold autoinflammatory syndrome 2 (FCAS2). Identifiers: Orphanet 247868, MedGen C2673198, MONDO:0012724, OMIM 611762.

Allele frequency attached by ClinVar (database versions not stated): gnomAD 0.00001.
gnomAD v4.1: 28 of 1,613,528 alleles (0.0017%); highest among the groups gnomAD compares: Non-Finnish European, 0.0022%; no homozygotes.

Submission:

Labcorp Genetics (formerly Invitae), Labcorp
Classification: Uncertain significance for Familial cold autoinflammatory syndrome 2. Last evaluated: 2021-12-09. Review status: criteria provided, single submitter. Criteria: Invitae Variant Classification Sherloc (09022015). Collection method: clinical testing. Allele origin: germline.
Comment: This variant has not been reported in the literature in individuals affected with NLRP12-related conditions. This sequence change replaces proline, which is neutral and non-polar, with glutamine, which is neutral and polar, at codon 121 of the NLRP12 protein (p.Pro121Gln). This variant is not present in population databases (gnomAD no frequency). Algorithms developed to predict the effect of missense changes on protein structure and function are either unavailable or do not agree on the potential impact of this missense change (SIFT: "Tolerated"; PolyPhen-2: "Possibly Damaging"; Align-GVGD: "Class C0"). In summary, the available evidence is currently insufficient to determine the role of this variant in disease. Therefore, it has been classified as a Variant of Uncertain Significance.